The following is an entry in ClinVar:

NM_000489.6(ATRX):c.5718T>A (p.Ser1906Arg)

Gene: ATRX (ATRX chromatin remodeler; minus strand). Cytogenetic location: Xq21.1.
Variant type: single nucleotide variant.
Coding change: c.5718T>A on transcript NM_000489.6 (MANE Select); coding-DNA position 5718, T replaced by A.
Protein change: p.Ser1906Arg; replaces serine 1906 with arginine.
Molecular consequence: missense variant.
Genome position (GRCh38, 1-based): chrX:77,599,800, A>T on the plus strand (T>A on the coding strand, the complement: ATRX is on the minus strand). VCF-style: chrX-77599800-A-T. GRCh37 (hg19) VCF-style: chrX-76855269-A-T.
Other names: c.5718T>A (NM_000489.4); c.5604T>A, p.Ser1868Arg (NM_138270.5); short protein forms S1906R, S1868R.
Identifiers: ClinVar variation 2116323 (VCV002116323.5), dbSNP rs2148150030, ClinGen allele CA413698064.

ClinVar aggregate classification (germline): Uncertain significance. Review status: criteria provided, multiple submitters, no conflicts (2 of 4 stars). 2 submissions from 2 submitters: Uncertain significance (2). Last evaluated 2026-09-18.

Conditions:
Alpha thalassemia-X-linked intellectual disability syndrome (ATRX). Also called: ALPHA-THALASSEMIA/MENTAL RETARDATION SYNDROME, X-LINKED; ATR, NONDELETION TYPE; ATR-X syndrome; Alpha thalassemia mental retardation syndrome, nondeletion type, X-linked; XLMR hypotonic face syndrome; X-linked alpha-thalassemia-mental retardation syndrome. Identifiers: Orphanet 847, MedGen C1845055, MONDO:0010519, OMIM 301040.
ATRX-related disorder. Also called: ATRX-related condition.

Submissions (2):

PreventionGenetics, part of Exact Sciences
Classification: Uncertain significance for ATRX-related condition. Last evaluated: 2026-09-18. Review status: criteria provided, single submitter. Criteria: ACMG Guidelines, 2015. Collection method: clinical testing. Allele origin: germline.
Comment: The ATRX c.5718T>A variant is predicted to result in the amino acid substitution p.Ser1906Arg. To our knowledge, this variant has not been reported in the literature or in a large population database (gnomAD), indicating this variant is rare. At this time, the clinical significance of this variant is uncertain due to the absence of conclusive functional and genetic evidence.

Labcorp Genetics (formerly Invitae), Labcorp
Classification: Uncertain significance for Alpha thalassemia-X-linked intellectual disability syndrome. Last evaluated: 2024-05-07. Review status: criteria provided, single submitter. Criteria: Invitae Variant Classification Sherloc (09022015). Collection method: clinical testing. Allele origin: germline.
Comment: This sequence change replaces serine, which is neutral and polar, with arginine, which is basic and polar, at codon 1906 of the ATRX protein (p.Ser1906Arg). This variant is not present in population databases (gnomAD no frequency). This variant has not been reported in the literature in individuals affected with ATRX-related conditions. ClinVar contains an entry for this variant (Variation ID: 2116323). Advanced modeling of protein sequence and biophysical properties (such as structural, functional, and spatial information, amino acid conservation, physicochemical variation, residue mobility, and thermodynamic stability) performed at Invitae indicates that this missense variant is not expected to disrupt ATRX protein function with a negative predictive value of 95%. In summary, the available evidence is currently insufficient to determine the role of this variant in disease. Therefore, it has been classified as a Variant of Uncertain Significance.